The following is an entry in ClinVar:

NM_000632.4(ITGAM):c.2047G>A (p.Gly683Ser)

Gene: ITGAM (integrin subunit alpha M; plus strand). Cytogenetic location: 16p11.2.
Variant type: single nucleotide variant.
Coding change: c.2047G>A on transcript NM_000632.4 (MANE Select); coding-DNA position 2047, G replaced by A.
Protein change: p.Gly683Ser; replaces glycine 683 with serine.
Molecular consequence: missense variant.
Genome position (GRCh38, 1-based): chr16:31,324,443, G>A. VCF-style: chr16-31324443-G-A. GRCh37 (hg19) VCF-style: chr16-31335764-G-A.
Other names: c.2050G>A, p.Gly684Ser (NM_001145808.2); c.2047G>A (NM_000632.3); short protein forms G683S, G684S.
Identifiers: ClinVar variation 1487249 (VCV001487249.11), dbSNP rs1310395965, ClinGen allele CA395686748.

ClinVar aggregate classification (germline): Uncertain significance. Review status: criteria provided, multiple submitters, no conflicts (2 of 4 stars). 3 submissions from 3 submitters: Uncertain significance (2). 1 of the submissions does not count toward it. Last evaluated 2026-01-07.

Conditions:
ITGAM-related disorder. Also called: ITGAM-related condition.

Allele frequency attached by ClinVar (database versions not stated): gnomAD 0.00001; TOPMed 0.00003; gnomAD exomes 0.00005.
gnomAD v4.1: 13 of 1,555,824 alleles (0.00084%); highest among the groups gnomAD compares: Admixed American, 0.02%; no homozygotes.

Submissions (3):

Labcorp Genetics (formerly Invitae), Labcorp
Classification: Uncertain significance. Last evaluated: 2026-01-07. Review status: criteria provided, single submitter. Criteria: Invitae Variant Classification Sherloc (09022015). Collection method: clinical testing. Allele origin: germline.
Comment: This sequence change replaces glycine, which is neutral and non-polar, with serine, which is neutral and polar, at codon 683 of the ITGAM protein (p.Gly683Ser). This variant is present in population databases (no rsID available, gnomAD 0.03%). This variant has not been reported in the literature in individuals affected with ITGAM-related conditions. ClinVar contains an entry for this variant (Variation ID: 1487249). An algorithm developed to predict the effect of missense changes on protein structure and function outputs the following: PolyPhen-2: "Benign". The serine amino acid residue is found in multiple mammalian species, which suggests that this missense change does not adversely affect protein function. In summary, the available evidence is currently insufficient to determine the role of this variant in disease. Therefore, it has been classified as a Variant of Uncertain Significance.

Ambry Genetics
Classification: Uncertain significance. Last evaluated: 2021-12-08. Review status: criteria provided, single submitter. Criteria: Ambry Variant Classification Scheme 2023. Collection method: clinical testing. Allele origin: germline.

PreventionGenetics, part of Exact Sciences
Classification: Uncertain significance for ITGAM-related condition. Last evaluated: 2023-12-20. Review status: no assertion criteria provided. Collection method: clinical testing. Allele origin: germline. Not counted in ClinVar's aggregate classification.
Comment: The ITGAM c.2047G>A variant is predicted to result in the amino acid substitution p.Gly683Ser. To our knowledge, this variant has not been reported in the literature. This variant is reported in 0.032% of alleles in individuals of Latino descent in gnomAD. At this time, the clinical significance of this variant is uncertain due to the absence of conclusive functional and genetic evidence.